The following is an entry in ClinVar:

NM_014915.3(ANKRD26):c.152A>C (p.His51Pro)

Genes: ANKRD26 (ankyrin repeat domain 26; minus strand), LOC130003554 (ATAC-STARR-seq lymphoblastoid silent region 2243; plus strand). Cytogenetic location: 10p12.1.
Variant type: single nucleotide variant.
Coding change: c.152A>C on transcript NM_014915.3 (MANE Select); coding-DNA position 152, A replaced by C.
Protein change: p.His51Pro; replaces histidine 51 with proline.
Molecular consequence: missense variant.
Genome position (GRCh38, 1-based): chr10:27,100,175, T>G on the plus strand (A>C on the coding strand, the complement: ANKRD26 is on the minus strand). VCF-style: chr10-27100175-T-G. GRCh37 (hg19) VCF-style: chr10-27389104-T-G.
Other names: c.152A>C, p.His51Pro (NM_001256053.2); short protein forms H51P.
Identifiers: ClinVar variation 4826404 (VCV004826404.1).

ClinVar aggregate classification (germline): Uncertain significance (1 of 4 stars; one submission).

Conditions:
Inborn genetic diseases. Identifiers: MedGen C0950123, MeSH D030342.

Submission:

Ambry Genetics
Classification: Uncertain significance for Inborn genetic diseases. Last evaluated: 2026-02-24. Review status: criteria provided, single submitter. Criteria: Ambry Variant Classification Scheme 2023. Collection method: clinical testing. Allele origin: germline.
Comment: The p.H51P variant (also known as c.152A>C), located in coding exon 1 of the ANKRD26 gene, results from an A to C substitution at nucleotide position 152. The histidine at codon 51 is replaced by proline, an amino acid with similar properties. This amino acid position is conserved. In addition, this alteration is predicted to be deleterious by in silico analysis. Based on the available evidence, the clinical significance of this variant remains unclear.